The following is an entry in ClinVar:

NM_003108.4(SOX11):c.700G>T (p.Glu234Ter)

Gene: SOX11 (SRY-box transcription factor 11; plus strand). Cytogenetic location: 2p25.2.
Variant type: single nucleotide variant.
Coding change: c.700G>T on transcript NM_003108.4 (MANE Select); coding-DNA position 700, G replaced by T.
Protein change: p.Glu234Ter; replaces glutamic acid 234 with a stop codon.
Molecular consequence: nonsense.
Genome position (GRCh38, 1-based): chr2:5,693,421, G>T. VCF-style: chr2-5693421-G-T. GRCh37 (hg19) VCF-style: chr2-5833553-G-T.
Other names: short protein forms E234*.
Identifiers: ClinVar variation 1029671 (VCV001029671.7), dbSNP rs780122780, ClinGen allele CA345867263.

ClinVar aggregate classification (germline): Likely pathogenic. Review status: criteria provided, multiple submitters, no conflicts (2 of 4 stars). 4 submissions from 4 submitters: Likely pathogenic (3). 1 of the submissions does not count toward it. Last evaluated 2023-03-09.

Conditions:
Intellectual developmental disorder with microcephaly and with or without ocular malformations or hypogonadotropic hypogonadism. Also called: Intellectual disability, autosomal dominant 27; Coffin-Siris Syndrome 9. Identifiers: Orphanet 1465, MedGen C4014528, MONDO:0014376, OMIM 615866.

Submissions (4):

SIB Swiss Institute of Bioinformatics
Classification: Likely pathogenic for Intellectual developmental disorder with microcephaly and with or without ocular malformations or hypogonadotropic hypogonadism. Last evaluated: 2023-03-09. Review status: criteria provided, single submitter. Criteria: ACMG Guidelines, 2015. Collection method: curation. Allele origin: unknown.
Comment: This variant is interpreted as likely pathogenic for Intellectual developmental disorder with microcephaly and with or without ocular malformations or hypogonadotropic hypogonadism, autosomal dominant. The following ACMG Tag(s) were applied: Absent from controls (or at extremely low frequency if recessive) in Exome Sequencing Project, 1000 Genomes Project, or Exome Aggregation Consortium (PM2); Protein length changes as a result of in-frame deletions/insertions in a nonrepeat region or stop-loss variants (PM4 upgraded to strong; loss of a region necessary for transcriptional activation activity).

Revvity Omics, Revvity
Classification: Likely pathogenic for Intellectual developmental disorder with microcephaly and with or without ocular malformations or hypogonadotropic hypogonadism. Last evaluated: 2020-12-07. Review status: criteria provided, single submitter. Criteria: ACMG Guidelines, 2015. Collection method: clinical testing. Allele origin: germline.

Baylor Genetics
Classification: Likely pathogenic for Intellectual developmental disorder with microcephaly and with or without ocular malformations or hypogonadotropic hypogonadism. Last evaluated: 2019-09-06. Review status: criteria provided, single submitter. Criteria: ACMG Guidelines, 2015. Collection method: clinical testing. Allele origin: unknown. Affected: yes.
Comment: This variant was determined to be likely pathogenic according to ACMG Guidelines, 2015 [PMID:25741868].

Medical Genetics Lab, Xi'an People's Hospital(Xi'an Fourth Hospital)
Classification: Pathogenic for Intellectual developmental disorder with microcephaly and with or without ocular malformations or hypogonadotropic hypogonadism. Review status: no assertion criteria provided. Collection method: clinical testing. Allele origin: de novo. Inheritance: Autosomal dominant inheritance. Affected: yes. Observed: 1 heterozygote. Not counted in ClinVar's aggregate classification.

Literature cited by the submitters: PubMed 35341651 (cited by SIB Swiss Institute of Bioinformatics).